The following is an entry in ClinVar:

ClinVar aggregate classification (germline): Uncertain significance (1 of 4 stars; one submission).

Conditions:
Aortic valve disease 2 (AOVD2). Identifiers: MedGen C3542024, MONDO:0013902, OMIM 614823.

Allele frequency attached by ClinVar (database versions not stated): TOPMed below 0.00001.

Submission:

Labcorp Genetics (formerly Invitae), Labcorp
Classification: Uncertain significance for Aortic valve disease 2. Last evaluated: 2021-10-29. Review status: criteria provided, single submitter. Criteria: Invitae Variant Classification Sherloc (09022015). Collection method: clinical testing. Allele origin: germline.
Comment: This sequence change replaces valine, which is neutral and non-polar, with isoleucine, which is neutral and non-polar, at codon 63 of the SMAD6 protein (p.Val63Ile). In summary, the available evidence is currently insufficient to determine the role of this variant in disease. Therefore, it has been classified as a Variant of Uncertain Significance. Algorithms developed to predict the effect of missense changes on protein structure and function (SIFT, PolyPhen-2, Align-GVGD) all suggest that this variant is likely to be tolerated. This variant has not been reported in the literature in individuals affected with SMAD6-related conditions. This variant is not present in population databases (gnomAD no frequency).

NM_005585.5(SMAD6):c.187G>A (p.Val63Ile)

Gene: SMAD6 (SMAD family member 6; plus strand). Cytogenetic location: 15q22.31.
Variant type: single nucleotide variant.
Coding change: c.187G>A on transcript NM_005585.5 (MANE Select); coding-DNA position 187, G replaced by A.
Protein change: p.Val63Ile; replaces valine 63 with isoleucine.
Molecular consequence: missense variant. On other transcripts: non-coding transcript variant (1).
Genome position (GRCh38, 1-based): chr15:66,703,445, G>A. VCF-style: chr15-66703445-G-A. GRCh37 (hg19) VCF-style: chr15-66995783-G-A.
Other names: short protein forms V63I.
Identifiers: ClinVar variation 1500477 (VCV001500477.6), dbSNP rs1595756583, ClinGen allele CA392948845.